The following is an entry in ClinVar:

ClinVar aggregate classification (germline): Pathogenic (3 of 4 stars; one submission).

Conditions:
Breast-ovarian cancer, familial, susceptibility to, 1 (BROVCA1). Also called: BRCA1 Hereditary Breast and Ovarian Cancer; OVARIAN CANCER, SUSCEPTIBILITY TO. Identifiers: Orphanet 145, MedGen C2676676, MONDO:0011450, OMIM 604370. Disease mechanism: loss of function.

Submission:

Evidence-based Network for the Interpretation of Germline Mutant Alleles (ENIGMA)
Classification: Pathogenic for Breast-ovarian cancer, familial, susceptibility to, 1. Last evaluated: 2017-12-15. Review status: reviewed by expert panel. Criteria: ENIGMA BRCA1/2 Classification Criteria (2017-06-29). Collection method: curation. Allele origin: germline. Study: ENIGMA.
Comment: Variant allele predicted to encode a truncated non-functional protein.

NM_007294.4(BRCA1):c.4108_4109insATCT (p.Ser1370fs)

Gene: BRCA1 (BRCA1 DNA repair associated; minus strand). Cytogenetic location: 17q21.31.
Variant type: Insertion.
Coding change: c.4108_4109insATCT on transcript NM_007294.4 (MANE Select); coding-DNA positions 4108 to 4109, ATCT inserted.
Protein change: p.Ser1370fs; shifts the reading frame from serine 1370.
Molecular consequence: frameshift variant. On other transcripts: non-coding transcript variant (1).
Genome position: GRCh38 VCF-style: chr17-43091020-G-GAGAT. GRCh37 (hg19) VCF-style: chr17-41243037-G-GAGAT.
Other names: c.4108_4109insATCT, p.Ser1370fs (NM_007294.3, NM_007300.4); c.585_586insTATC, p.Ser196Tyrfs (NM_001408490.1, NM_001408491.1, NM_001408493.1); c.588_589insTATC, p.Ser197Tyrfs (NM_001408492.1, NM_001408513.1, NM_001408514.1 and 9 more transcripts); c.558_559insTATC, p.Ser187Tyrfs (NM_001408494.1); c.555_556insTATC, p.Ser186Tyrfs (NM_001408495.1); c.534_535insTATC, p.Ser179Tyrfs (NM_001408496.1, NM_001408497.1, NM_001408498.1 and 3 more transcripts); c.465_466insTATC, p.Ser156Tyrfs (NM_001408502.1); c.531_532insTATC, p.Ser178Tyrfs (NM_001408503.1, NM_001408504.1, NM_001408505.1); and 44 more; short protein forms S1323fs, S1370fs, S267fs.
Identifiers: ClinVar variation 548184 (VCV000548184.2), dbSNP rs1555586260, ClinGen allele CA658825029.